The following is an entry in ClinVar:

ClinVar aggregate classification (germline): Uncertain significance (1 of 4 stars; one submission).

Conditions:
Duchenne muscular dystrophy (DMD). Also called: MUSCULAR DYSTROPHY, PSEUDOHYPERTROPHIC PROGRESSIVE, DUCHENNE TYPE; Duchenne Muscular Dystrophy (DMD). Identifiers: Orphanet 98896, MedGen C0013264, MONDO:0010679, OMIM 310200.

Submission:

Labcorp Genetics (formerly Invitae), Labcorp
Classification: Uncertain significance for Duchenne muscular dystrophy. Last evaluated: 2025-06-23. Review status: criteria provided, single submitter. Criteria: Invitae Variant Classification Sherloc (09022015). Collection method: clinical testing. Allele origin: germline.
Comment: This sequence change replaces valine, which is neutral and non-polar, with leucine, which is neutral and non-polar, at codon 187 of the DMD protein (p.Val187Leu). This variant is not present in population databases (gnomAD no frequency). This variant has not been reported in the literature in individuals affected with DMD-related conditions. ClinVar contains an entry for this variant (Variation ID: 2852188). Invitae Evidence Modeling of protein sequence and biophysical properties (such as structural, functional, and spatial information, amino acid conservation, physicochemical variation, residue mobility, and thermodynamic stability) indicates that this missense variant is not expected to disrupt DMD protein function with a negative predictive value of 95%. In summary, the available evidence is currently insufficient to determine the role of this variant in disease. Therefore, it has been classified as a Variant of Uncertain Significance.

NM_004006.3(DMD):c.559G>C (p.Val187Leu)

Gene: DMD (dystrophin; minus strand). Cytogenetic location: Xp21.1.
Variant type: single nucleotide variant.
Coding change: c.559G>C on transcript NM_004006.3 (MANE Select); coding-DNA position 559, G replaced by C.
Protein change: p.Val187Leu; replaces valine 187 with leucine.
Molecular consequence: missense variant.
Genome position (GRCh38, 1-based): chrX:32,809,583, C>G on the plus strand (G>C on the coding strand, the complement: DMD is on the minus strand). VCF-style: chrX-32809583-C-G. GRCh37 (hg19) VCF-style: chrX-32827700-C-G.
Other names: c.535G>C, p.Val179Leu (NM_000109.4); c.547G>C, p.Val183Leu (NM_004009.3); c.190G>C, p.Val64Leu (NM_004010.3); short protein forms V187L, V64L, V179L, V183L.
Identifiers: ClinVar variation 2852188 (VCV002852188.3), dbSNP rs780719857, ClinGen allele CA412673945.
Genomic context (GRCh38, chrX:32,809,583, plus strand): 5'-ATTGATATCTGGCGATGTTGAATGCATGTTCCAGTCGTTGTGTGGCTGACTGCTGGCAAA[C>G]CACACTATTCCAGTCAAATAGGTCTGGCCTAAAACACATACACATACACACATACACAAA-3'
Protein context (NP_003997.2, residues 177-197): RPDLFDWNSV[Val187Leu]CQQSATQRLE